The following is an entry in ClinVar:

NM_001044.5(SLC6A3):c.72G>A (p.Val24=)

Gene: SLC6A3 (solute carrier family 6 member 3). Cytogenetic location: 5p15.33.
Variant type: single nucleotide variant.
Coding change: c.72G>A on transcript NM_001044.5 (MANE Select); coding-DNA position 72, G replaced by A.
Protein change: p.Val24=; no amino-acid change (valine 24 retained).
Molecular consequence: synonymous variant.
Genome position (GRCh38, 1-based): chr5:1,443,126, C>T on the plus strand (G>A on the coding strand, the complement: SLC6A3 is on the minus strand). VCF-style: chr5-1443126-C-T. GRCh37 (hg19) VCF-style: chr5-1443241-C-T.
Identifiers: ClinVar variation 4874638 (VCV004874638.2).

ClinVar aggregate classification (germline): Likely benign (1 of 4 stars; one submission).

gnomAD v4.1: 3 of 1,614,248 alleles (0.00019%); highest among the groups gnomAD compares: Non-Finnish European, 0.00025%; no homozygotes.

Submission:

CeGaT Center for Human Genetics Tuebingen
Classification: Likely benign. Last evaluated: 2026-06-01. Review status: criteria provided, single submitter. Criteria: CeGaT Center For Human Genetics Tuebingen Variant Classification Criteria Version 2. Collection method: clinical testing. Allele origin: germline. Affected: yes. Observed: 1 variant allele.
Comment: SLC6A3: BP4, BP7